The following is an entry in ClinVar:

ClinVar aggregate classification (germline): Uncertain significance. Review status: criteria provided, single submitter (1 of 4 stars). 2 submissions from 2 submitters: Uncertain significance (1). 1 of the submissions does not count toward it. Last evaluated 2018-09-20.

Conditions:
MHC class II deficiency. Also called: Bare lymphocyte syndrome 2; BLS, TYPE II. Identifiers: Orphanet 572, MedGen C5447452, MONDO:0008855.

Allele frequency attached by ClinVar (database versions not stated): gnomAD exomes 0.00001; ExAC 0.00002.
gnomAD v4.1: 14 of 1,614,140 alleles (0.00087%); highest among the groups gnomAD compares: Non-Finnish European, 0.0011%; no homozygotes.

Submissions (2):

Labcorp Genetics (formerly Invitae), Labcorp
Classification: Uncertain significance for MHC class II deficiency. Last evaluated: 2018-09-20. Review status: criteria provided, single submitter. Criteria: Invitae Variant Classification Sherloc (09022015). Collection method: clinical testing. Allele origin: germline.
Comment: In summary, the available evidence is currently insufficient to determine the role of this variant in disease. Therefore, it has been classified as a Variant of Uncertain Significance. Algorithms developed to predict the effect of missense changes on protein structure and function (SIFT, PolyPhen-2, Align-GVGD) all suggest that this variant is likely to be tolerated, but these predictions have not been confirmed by published functional studies and their clinical significance is uncertain. This variant has not been reported in the literature in individuals with CIITA-related disease. This variant is present in population databases (rs201571405, ExAC 0.006%). This sequence change replaces valine with phenylalanine at codon 967 of the CIITA protein (p.Val967Phe). The valine residue is weakly conserved and there is a small physicochemical difference between valine and phenylalanine.

Natera, Inc.
Classification: Uncertain significance for Bare lymphocyte syndrome type II. Last evaluated: 2021-10-11. Review status: no assertion criteria provided. Collection method: clinical testing. Allele origin: germline. Not counted in ClinVar's aggregate classification.

NM_000246.4(CIITA):c.2899G>T (p.Val967Phe)

Gene: CIITA (class II major histocompatibility complex transactivator; plus strand). Cytogenetic location: 16p13.13.
Variant type: single nucleotide variant.
Coding change: c.2899G>T on transcript NM_000246.4 (MANE Select); coding-DNA position 2899, G replaced by T.
Protein change: p.Val967Phe; replaces valine 967 with phenylalanine.
Molecular consequence: missense variant. On other transcripts: non-coding transcript variant (1).
Genome position (GRCh38, 1-based): chr16:10,915,580, G>T. VCF-style: chr16-10915580-G-T. GRCh37 (hg19) VCF-style: chr16-11009437-G-T.
Other names: c.2755G>T, p.Val919Phe (NM_001379330.1); c.2752G>T, p.Val918Phe (NM_001379331.1); c.2902G>T, p.Val968Phe (NM_001379332.1, NM_001286402.1); c.2899G>T, p.Val967Phe (NM_001379333.1); c.2830G>T, p.Val944Phe (NM_001379334.1); c.1147G>T, p.Val383Phe (NM_001286403.2); short protein forms V383F, V968F, V967F, V918F, V919F, V944F.
Identifiers: ClinVar variation 639151 (VCV000639151.12), dbSNP rs201571405, ClinGen allele CA7900578.